The following is an entry in ClinVar:

NM_153717.3(EVC):c.1623G>T (p.Gln541His)

Gene: EVC (EvC ciliary complex subunit 1; plus strand). Cytogenetic location: 4p16.2.
Variant type: single nucleotide variant.
Coding change: c.1623G>T on transcript NM_153717.3 (MANE Select); coding-DNA position 1623, G replaced by T.
Protein change: p.Gln541His; replaces glutamine 541 with histidine.
Molecular consequence: missense variant.
Genome position (GRCh38, 1-based): chr4:5,783,611, G>T. VCF-style: chr4-5783611-G-T. GRCh37 (hg19) VCF-style: chr4-5785338-G-T.
Other names: c.1623G>T, p.Gln541His (NM_001306090.2); short protein forms Q541H.
Identifiers: ClinVar variation 2080179 (VCV002080179.4), dbSNP rs2152288778, ClinGen allele CA356160723.

ClinVar aggregate classification (germline): Uncertain significance (1 of 4 stars; one submission).

Conditions:
Curry-Hall syndrome (WAD). Also called: WEYERS ACRODENTAL DYSOSTOSIS. Identifiers: Orphanet 952, MedGen C0457013, MONDO:0008673, OMIM 193530.
Ellis-van Creveld syndrome (EVC). Also called: EVC2-Related Ellis-van Creveld Syndrome; EVC-Related Ellis-van Creveld Syndrome; Chondroectodermal dysplasia; MESOECTODERMAL DYSPLASIA. Identifiers: Orphanet 289, MedGen C0013903, MONDO:0009162, OMIM 225500.

Submission:

Labcorp Genetics (formerly Invitae), Labcorp
Classification: Uncertain significance for Curry-Hall syndrome; Ellis-van Creveld syndrome. Last evaluated: 2024-04-05. Review status: criteria provided, single submitter. Criteria: Invitae Variant Classification Sherloc (09022015). Collection method: clinical testing. Allele origin: germline.
Comment: This sequence change replaces glutamine, which is neutral and polar, with histidine, which is basic and polar, at codon 541 of the EVC protein (p.Gln541His). This variant is not present in population databases (gnomAD no frequency). This variant has not been reported in the literature in individuals affected with EVC-related conditions. ClinVar contains an entry for this variant (Variation ID: 2080179). Advanced modeling of protein sequence and biophysical properties (such as structural, functional, and spatial information, amino acid conservation, physicochemical variation, residue mobility, and thermodynamic stability) performed at Invitae indicates that this missense variant is not expected to disrupt EVC protein function with a negative predictive value of 80%. In summary, the available evidence is currently insufficient to determine the role of this variant in disease. Therefore, it has been classified as a Variant of Uncertain Significance.